The following is an entry in ClinVar:

NM_000304.4(PMP22):c.296C>T (p.Thr99Ile)

Gene: PMP22 (peripheral myelin protein 22; minus strand). Cytogenetic location: 17p12.
Variant type: single nucleotide variant.
Coding change: c.296C>T on transcript NM_000304.4 (MANE Select); coding-DNA position 296, C replaced by T.
Protein change: p.Thr99Ile; replaces threonine 99 with isoleucine.
Molecular consequence: missense variant. On other transcripts: non-coding transcript variant (2).
Genome position (GRCh38, 1-based): chr17:15,239,494, G>A on the plus strand (C>T on the coding strand, the complement: PMP22 is on the minus strand). VCF-style: chr17-15239494-G-A. GRCh37 (hg19) VCF-style: chr17-15142811-G-A.
Other names: c.296C>T, p.Thr99Ile (NM_001281455.2, NM_001281456.2, NM_001330143.2 and 2 more transcripts); short protein forms T99I.
Identifiers: ClinVar variation 2095123 (VCV002095123.4), dbSNP rs1467889270, ClinGen allele CA398267441.

ClinVar aggregate classification (germline): Uncertain significance (1 of 4 stars; one submission).

Conditions:
Charcot-Marie-Tooth disease, type I (CMT1). Also called: Charcot-Marie-Tooth, Type 1; Charcot-Marie-Tooth disease type 1. Identifiers: Orphanet 65753, MedGen C0751036, MONDO:0019011.

gnomAD v4.1: 1 of 1,614,214 alleles (0.000062%); highest among the groups gnomAD compares: Non-Finnish European, 0.000085%; no homozygotes.

Submission:

Labcorp Genetics (formerly Invitae), Labcorp
Classification: Uncertain significance for Charcot-Marie-Tooth disease, type I. Last evaluated: 2025-11-18. Review status: criteria provided, single submitter. Criteria: Invitae Variant Classification Sherloc (09022015). Collection method: clinical testing. Allele origin: germline.
Comment: This sequence change replaces threonine, which is neutral and polar, with isoleucine, which is neutral and non-polar, at codon 99 of the PMP22 protein (p.Thr99Ile). This variant is present in population databases (no rsID available, gnomAD 0.0009%). This variant has not been reported in the literature in individuals affected with PMP22-related conditions. ClinVar contains an entry for this variant (Variation ID: 2095123). Invitae Evidence Modeling of protein sequence and biophysical properties (such as structural, functional, and spatial information, amino acid conservation, physicochemical variation, residue mobility, and thermodynamic stability) indicates that this missense variant is expected to disrupt PMP22 protein function with a positive predictive value of 95%. In summary, the available evidence is currently insufficient to determine the role of this variant in disease. Therefore, it has been classified as a Variant of Uncertain Significance.